The following is an entry in ClinVar:

ClinVar aggregate classification (germline): Pathogenic (1 of 4 stars; one submission).

Conditions:
Autosomal recessive osteopetrosis 1. Also called: ALBERS-SCHONBERG DISEASE, AUTOSOMAL RECESSIVE; TCIRG1-Related Autosomal Recessive Osteopetrosis; TCIRG1-Related Osteopetrosis. Identifiers: Orphanet 667, MedGen C1850127, MONDO:0009815, OMIM 259700.

Submission:

Myriad Genetics, Inc.
Classification: Pathogenic for Autosomal recessive osteopetrosis 1. Last evaluated: 2025-05-20. Review status: criteria provided, single submitter. Criteria: Myriad Autosomal Dominant, Autosomal Recessive and X-Linked Classification Criteria (2023). Collection method: clinical testing. Allele origin: unknown.
Comment: NM_006019.3(TCIRG1):c.998_999insC(Q333Hfs*157) is expected to be pathogenic in the context of autosomal recessive osteopetrosis type 1. This variant is predicted to lead to an abnormal or absent protein product due to the creation of a premature termination codon in TCIRG1, a gene where loss-of-function variants are known to be pathogenic. Please note: this variant was assessed in the context of healthy population screening.

NM_006019.4(TCIRG1):c.998_999insC (p.Gln333fs)

Gene: TCIRG1 (T cell immune regulator 1, ATPase H+ transporting V0 subunit a3; plus strand). Cytogenetic location: 11q13.2.
Variant type: Insertion.
Coding change: c.998_999insC on transcript NM_006019.4 (MANE Select); coding-DNA positions 998 to 999, C inserted.
Protein change: p.Gln333fs; shifts the reading frame from glutamine 333.
Molecular consequence: frameshift variant. On other transcripts: intron variant (4).
Genome position: GRCh38 VCF-style: chr11-68044322-A-AC. GRCh37 (hg19) VCF-style: chr11-67811789-A-AC.
Other names: c.104_105insC, p.Gln35fs (NM_001351059.2); c.998_999insC, p.Gln333fs (NM_001440552.1, NM_001440553.1, NM_001440554.1 and 2 more transcripts); c.956_957insC, p.Gln319fs (NM_001440555.1, NM_001440556.1, NM_001440563.1); c.785_786insC, p.Gln262fs (NM_001440561.1, NM_001440562.1, NM_001440566.1 and 1 more transcripts); c.743_744insC, p.Gln248fs (NM_001440564.1); c.698_699insC, p.Gln233fs (NM_001440565.1); c.350_351insC, p.Gln117fs (NM_006053.4); c.807+415_807+416insC (NM_001440559.1, NM_001440560.1); and 2 more; short protein forms Q117fs, Q233fs, Q248fs, Q262fs, Q319fs, Q333fs, Q35fs.
Identifiers: ClinVar variation 5014479 (VCV005014479.1).
Genomic context (GRCh38, chr11:68,044,322, plus strand): 5'-CCACGCACAAGTGCCTCATTGCCGAGGCCTGGTGCTCTGTGCGAGACCTGCCCGCCCTGC[A>AC]GGAGGCCCTGCGGGACAGCTCGGTGAGCAGCCTGAGGCCTCGCCCCCTCTCCGCCCGCCC-3'